The following is an entry in ClinVar:

ClinVar aggregate classification (germline): Uncertain significance (1 of 4 stars; one submission).

Conditions:
Hereditary sensory and autonomic neuropathy type 7. Also called: HSAN VII; Neuropathy, hereditary sensory and autonomic, type VII. Identifiers: Orphanet 391397, MedGen C3809882, MONDO:0014244, OMIM 615548.
Familial episodic pain syndrome with predominantly lower limb involvement. Also called: Episodic pain syndrome, familial, 3. Identifiers: Orphanet 391384, Orphanet 391392, MedGen C3809899, MONDO:0014247, OMIM 615552.

gnomAD v4.1: 2 of 1,613,736 alleles (0.00012%); highest among the groups gnomAD compares: Admixed American, 0.0017%; no homozygotes.

Submission:

Labcorp Genetics (formerly Invitae), Labcorp
Classification: Uncertain significance for Familial episodic pain syndrome with predominantly lower limb involvement; Hereditary sensory and autonomic neuropathy type 7. Last evaluated: 2024-12-31. Review status: criteria provided, single submitter. Criteria: Invitae Variant Classification Sherloc (09022015). Collection method: clinical testing. Allele origin: germline.
Comment: This sequence change replaces valine, which is neutral and non-polar, with aspartic acid, which is acidic and polar, at codon 241 of the SCN11A protein (p.Val241Asp). This variant is present in population databases (no rsID available, gnomAD 0.003%). This variant has not been reported in the literature in individuals affected with SCN11A-related conditions. Invitae Evidence Modeling of protein sequence and biophysical properties (such as structural, functional, and spatial information, amino acid conservation, physicochemical variation, residue mobility, and thermodynamic stability) indicates that this missense variant is expected to disrupt SCN11A protein function with a positive predictive value of 80%. In summary, the available evidence is currently insufficient to determine the role of this variant in disease. Therefore, it has been classified as a Variant of Uncertain Significance.

NM_001349253.2(SCN11A):c.722T>A (p.Val241Asp)

Gene: SCN11A (sodium voltage-gated channel alpha subunit 11; minus strand). Cytogenetic location: 3p22.2.
Variant type: single nucleotide variant.
Coding change: c.722T>A on transcript NM_001349253.2 (MANE Select); coding-DNA position 722, T replaced by A.
Protein change: p.Val241Asp; replaces valine 241 with aspartic acid.
Molecular consequence: missense variant.
Genome position (GRCh38, 1-based): chr3:38,921,246, A>T on the plus strand (T>A on the coding strand, the complement: SCN11A is on the minus strand). VCF-style: chr3-38921246-A-T. GRCh37 (hg19) VCF-style: chr3-38962737-A-T.
Other names: c.722T>A, p.Val241Asp (NM_014139.3); short protein forms V241D.
Identifiers: ClinVar variation 3753405 (VCV003753405.2).